The following is an entry in ClinVar:

ClinVar aggregate classification (germline): Uncertain significance. Review status: criteria provided, multiple submitters, no conflicts (2 of 4 stars). 2 submissions from 2 submitters: Uncertain significance (2). Last evaluated 2025-10-17.

Conditions:
Arrhythmogenic cardiomyopathy with wooly hair and keratoderma. Also called: Arrhythmogenic cardiomyopathy with woolly hair and keratoderma; Dilated cardiomyopathy with woolly hair and keratoderma; PALMOPLANTAR KERATODERMA WITH LEFT VENTRICULAR CARDIOMYOPATHY AND WOOLLY HAIR; Carvajal syndrome. Identifiers: Orphanet 65282, MedGen C1854063, MONDO:0011581, OMIM 605676.
Arrhythmogenic right ventricular dysplasia 8 (ARVD8). Also called: Arrhythmogenic Right Ventricular Dysplasia/Cardiomyopathy 8; ARRHYTHMOGENIC RIGHT VENTRICULAR DYSPLASIA, FAMILIAL, 8; ARRHYTHMOGENIC RIGHT VENTRICULAR CARDIOMYOPATHY 8. Identifiers: MedGen C1843896, MONDO:0011831, OMIM 607450.
Cardiomyopathy (CMYO). Also called: Cardiomyopathies. Identifiers: Orphanet 167848, MedGen C0878544, MONDO:0004994, HP:0001638. Inheritance: Various modes of inheritance.

Allele frequency attached by ClinVar (database versions not stated): gnomAD exomes below 0.00001; gnomAD 0.00001; TOPMed 0.00001.
gnomAD v4.1: 3 of 1,614,008 alleles (0.00019%); highest among the groups gnomAD compares: African/African-American, 0.0027%; no homozygotes.

Submissions (2):

Labcorp Genetics (formerly Invitae), Labcorp
Classification: Uncertain significance for Arrhythmogenic cardiomyopathy with wooly hair and keratoderma; Arrhythmogenic right ventricular dysplasia 8. Last evaluated: 2025-10-17. Review status: criteria provided, single submitter. Criteria: Invitae Variant Classification Sherloc (09022015). Collection method: clinical testing. Allele origin: germline.
Comment: This sequence change replaces alanine, which is neutral and non-polar, with valine, which is neutral and non-polar, at codon 1472 of the DSP protein (p.Ala1472Val). This variant is not present in population databases (gnomAD no frequency). This variant has not been reported in the literature in individuals affected with DSP-related conditions. ClinVar contains an entry for this variant (Variation ID: 2930009). An algorithm developed to predict the effect of missense changes on protein structure and function (PolyPhen-2) suggests that this variant is likely to be disruptive. In summary, the available evidence is currently insufficient to determine the role of this variant in disease. Therefore, it has been classified as a Variant of Uncertain Significance.

Color Diagnostics, LLC DBA Color Health
Classification: Uncertain significance for Cardiomyopathy. Last evaluated: 2024-04-24. Review status: criteria provided, single submitter. Criteria: ACMG Guidelines, 2015. Collection method: clinical testing. Allele origin: germline.
Comment: This missense variant replaces alanine with valine at codon 1472 of the DSP protein. Computational prediction suggests that this variant may not impact protein structure and function. To our knowledge, functional studies have not been reported for this variant. This variant has not been reported in individuals affected with DSP-related disorders in the literature. This variant has not been identified in the general population by the Genome Aggregation Database (gnomAD). The available evidence is insufficient to determine the role of this variant in disease conclusively. Therefore, this variant is classified as a Variant of Uncertain Significance.

NM_004415.4(DSP):c.4415C>T (p.Ala1472Val)

Gene: DSP (desmoplakin; plus strand). Cytogenetic location: 6p24.3.
Variant type: single nucleotide variant.
Coding change: c.4415C>T on transcript NM_004415.4 (MANE Select); coding-DNA position 4415, C replaced by T.
Protein change: p.Ala1472Val; replaces alanine 1472 with valine.
Molecular consequence: missense variant. On other transcripts: intron variant (2).
Genome position (GRCh38, 1-based): chr6:7,580,605, C>T. VCF-style: chr6-7580605-C-T. GRCh37 (hg19) VCF-style: chr6-7580838-C-T.
Other names: c.4050+365C>T (NM_001319034.2); c.3582+833C>T (NM_001008844.3); short protein forms A1472V.
Identifiers: ClinVar variation 2930009 (VCV002930009.4), dbSNP rs1272181488, ClinGen allele CA362686262.